The following is an entry in ClinVar:

NM_152783.5(D2HGDH):c.1255C>T (p.Arg419Cys)

Gene: D2HGDH (D-2-hydroxyglutarate dehydrogenase; plus strand). Cytogenetic location: 2q37.3.
Variant type: single nucleotide variant.
Coding change: c.1255C>T on transcript NM_152783.5 (MANE Select); coding-DNA position 1255, C replaced by T.
Protein change: p.Arg419Cys; replaces arginine 419 with cysteine.
Molecular consequence: missense variant. On other transcripts: non-coding transcript variant (1).
Genome position (GRCh38, 1-based): chr2:241,755,963, C>T. VCF-style: chr2-241755963-C-T. GRCh37 (hg19) VCF-style: chr2-242695378-C-T.
Other names: c.853C>T, p.Arg285Cys (NM_001287249.2); c.694C>T, p.Arg232Cys (NM_001352824.2); c.1255C>T (NM_152783.4); short protein forms R419C, R232C, R285C.
Identifiers: ClinVar variation 809198 (VCV000809198.50), dbSNP rs769832110, ClinGen allele CA2222136.
Genomic context (GRCh38, chr2:241,755,963, plus strand): 5'-GTGTACAAGTACGACCTCTCCCTCCCTGTGGAGCGGCTCTACGACATCGTGACTGACCTG[C>T]GCGCCCGCCTCGGCCCGCACGCCAAGCACGTGGTGGGCTATGGCCACCTTGGTGAGCGGC-3'
Protein context (NP_689996.4, residues 409-429): ERLYDIVTDL[Arg419Cys]ARLGPHAKHV

ClinVar aggregate classification (germline): Conflicting classifications of pathogenicity. Review status: criteria provided, conflicting classifications (1 of 4 stars). 5 submissions from 5 submitters: Likely pathogenic (1); Uncertain significance (3). 1 of the submissions does not count toward it. Last evaluated 2024-11-19.

Conditions:
D-2-hydroxyglutaric aciduria 1 (D2HGA1). Identifiers: Orphanet 79315, MedGen C3152055, MONDO:0024554, OMIM 600721.
D2HGDH-related disorder. Also called: D2HGDH-related condition.

Allele frequency attached by ClinVar (database versions not stated): gnomAD exomes 0.00001 and 0.00004; gnomAD 0.00002; ExAC 0.00003; TOPMed 0.00003.

Submissions (5):

Women's Health and Genetics/Laboratory Corporation of America, LabCorp
Classification: Uncertain significance. Last evaluated: 2024-11-19. Review status: criteria provided, single submitter. Criteria: LabCorp Variant Classification Summary - May 2015. Collection method: clinical testing. Allele origin: germline.
Comment: Variant summary: D2HGDH c.1255C>T (p.Arg419Cys) results in a non-conservative amino acid change located in the FAD-binding oxidoreductase/transferase, type 4, C-terminal domain (IPR004113) of the encoded protein sequence. Five of five in-silico tools predict a damaging effect of the variant on protein function. The variant allele was found at a frequency of 3.6e-05 in 249132 control chromosomes (gnomAD). The available data on variant occurrences in the general population are insufficient to allow any conclusion about variant significance. To our knowledge, no occurrence of c.1255C>T in individuals affected with D-2 Hydroxyglutaric Aciduria 1 and no experimental evidence demonstrating its impact on protein function have been reported. However, different missense changes affecting the same amino acid (R419H/L) have been reported in affected individuals (HGMD), suggesting a functional importance for this residue. ClinVar contains an entry for this variant (Variation ID: 809198). Based on the evidence outlined above, the variant was classified as uncertain significance.

Labcorp Genetics (formerly Invitae), Labcorp
Classification: Uncertain significance for D-2-hydroxyglutaric aciduria 1. Last evaluated: 2024-10-22. Review status: criteria provided, single submitter. Criteria: Invitae Variant Classification Sherloc (09022015). Collection method: clinical testing. Allele origin: germline.
Comment: This sequence change replaces arginine, which is basic and polar, with cysteine, which is neutral and slightly polar, at codon 419 of the D2HGDH protein (p.Arg419Cys). This variant is present in population databases (rs769832110, gnomAD 0.05%). This variant has not been reported in the literature in individuals affected with D2HGDH-related conditions. ClinVar contains an entry for this variant (Variation ID: 809198). Invitae Evidence Modeling of protein sequence and biophysical properties (such as structural, functional, and spatial information, amino acid conservation, physicochemical variation, residue mobility, and thermodynamic stability) indicates that this missense variant is expected to disrupt D2HGDH protein function with a positive predictive value of 95%. This variant disrupts the p.Arg419 amino acid residue in D2HGDH. Other variant(s) that disrupt this residue have been observed in individuals with D2HGDH-related conditions (PMID: 20020533, 33728243), which suggests that this may be a clinically significant amino acid residue. In summary, the available evidence is currently insufficient to determine the role of this variant in disease. Therefore, it has been classified as a Variant of Uncertain Significance.

CeGaT Center for Human Genetics Tuebingen
Classification: Likely pathogenic. Last evaluated: 2021-05-01. Review status: criteria provided, single submitter. Criteria: CeGaT Center For Human Genetics Tuebingen Variant Classification Criteria Version 2. Collection method: clinical testing. Allele origin: germline. Affected: yes. Observed: 1 variant allele.

GeneDx
Classification: Uncertain significance. Last evaluated: 2020-01-16. Review status: criteria provided, single submitter. Criteria: GeneDx Variant Classification Process June 2021. Collection method: clinical testing. Allele origin: germline. Affected: yes.
Comment: In silico analysis, which includes protein predictors and evolutionary conservation, supports a deleterious effect; Has not been previously published as pathogenic or benign to our knowledge

PreventionGenetics, part of Exact Sciences
Classification: Uncertain significance for D2HGDH-related condition. Last evaluated: 2023-11-02. Review status: no assertion criteria provided. Collection method: clinical testing. Allele origin: germline. Not counted in ClinVar's aggregate classification.
Comment: The D2HGDH c.1255C>T variant is predicted to result in the amino acid substitution p.Arg419Cys. To our knowledge, this variant has not been reported in the literature. This variant is reported in 0.045% of alleles in individuals of East Asian descent in gnomAD. Of note two additional variants impacting the same amino acid (p.Arg419His and p.Arg419Leu) have been reported in patients with D-2-hydroxyglutaric aciduria (Patient 1 in Kranendijk et al. 2010. PubMed ID: 20020533; Perales-Clemente et al. 2021. PubMed ID: 33728243). At this time, the clinical significance of the c.1255C>T (p.Arg419Cys) variant is uncertain due to the absence of conclusive functional and genetic evidence.

Literature cited by the submitters: PubMed 20020533 (cited by Labcorp Genetics (formerly Invitae), Labcorp); PubMed 33728243 (cited by Labcorp Genetics (formerly Invitae), Labcorp).